The following is an entry in ClinVar:

ClinVar aggregate classification (germline): Pathogenic/Likely pathogenic. Review status: criteria provided, multiple submitters, no conflicts (2 of 4 stars). 7 submissions from 7 submitters: Pathogenic (5); Likely pathogenic (1). 1 of the submissions does not count toward it. Last evaluated 2024-08-21.

Conditions:
von Willebrand disorder (VWD). Also called: von Willebrand Diseases; Von Willebrand disease (hereditary or acquired); von Willebrand's disease. Identifiers: MedGen C0042974, MeSH D014842, MONDO:0024574.
VWF-related disorder. Also called: VWF-related condition; VWF-related disorders.
Hereditary von Willebrand disease. Identifiers: Orphanet 903, MedGen C5703318, MONDO:0019565. Inheritance: Autosomal recessive or Autosomal dominant.

Submissions (7):

Quest Diagnostics Nichols Institute San Juan Capistrano
Classification: Pathogenic. Last evaluated: 2024-08-21. Review status: criteria provided, single submitter. Criteria: Quest Diagnostics criteria. Collection method: clinical testing. Allele origin: unknown.
Comment: The VWF c.50dup (p.Leu17Phefs*25) variant alters the translational reading frame of the VWF mRNA and causes the premature termination of VWF protein synthesis. This variant has been reported in the published literature in individuals with VWF-related disorders (PMIDs: 31064749 (2019) and 33556167 (2021)). The frequency of this variant in the general population, 0.000031 (4/129168 chromosomes (Genome Aggregation Database)), is consistent with pathogenicity. Based on the available information, this variant is classified as pathogenic.

ARUP Laboratories, Molecular Genetics and Genomics, ARUP Laboratories
Classification: Pathogenic. Last evaluated: 2024-08-14. Review status: criteria provided, single submitter. Criteria: ARUP Molecular Germline Variant Investigation Process 2024. Collection method: clinical testing. Allele origin: germline.
Comment: The VWF c.50dup; p.Leu17PhefsTer25 variant (rs751286556, ClinVar Variation ID: 627085) is reported in the literature in individuals with VWF-related disease (Downes 2019, Stefanucci 2023). This variant is observed in the general population with an overall allele frequency of 0.001% (4/282846 alleles) in the Genome Aggregation Database (v2.1.1). This variant causes a frameshift by inserting a single nucleotide, so it is predicted to result in a truncated protein or mRNA subject to nonsense-mediated decay. Based on available information, this variant is considered to be pathogenic. References: Downes K et al. Diagnostic high-throughput sequencing of 2396 patients with bleeding, thrombotic, and platelet disorders. Blood. 2019 Dec 5;134(23):2082-2091. PMID: 31064749. Stefanucci L et al. The effects of pathogenic and likely pathogenic variants for inherited hemostasis disorders in 140?214 UK Biobank participants. Blood. 2023 Dec 14;142(24):2055-2068. PMID: 37647632.

Women's Health and Genetics/Laboratory Corporation of America, LabCorp
Classification: Pathogenic for von Willebrand disorder. Last evaluated: 2024-04-18. Review status: criteria provided, single submitter. Criteria: LabCorp Variant Classification Summary - May 2015. Collection method: clinical testing. Allele origin: germline.
Comment: Variant summary: VWF c.50dupT (p.Leu17PhefsX25) results in a premature termination codon, predicted to cause a truncation of the encoded protein or absence of the protein due to nonsense mediated decay, which are commonly known mechanisms for disease. The variant allele was found at a frequency of 8e-06 in 251454 control chromosomes. c.50dupT has been reported in the literature in individuals affected with VWF-related diseases and at-least one of these individuals were reported as heterozygous for this variant (example: Sadler_2021, Downes_2019). To our knowledge, no experimental evidence demonstrating an impact on protein function has been reported. The following publications have been ascertained in the context of this evaluation (PMID: 31064749, 33556167). ClinVar contains an entry for this variant (Variation ID: 627085). Based on the evidence outlined above, the variant was classified as pathogenic.

GeneDx
Classification: Likely pathogenic. Last evaluated: 2023-10-02. Review status: criteria provided, single submitter. Criteria: GeneDx Variant Classification Process June 2021. Collection method: clinical testing. Allele origin: germline. Affected: yes.
Comment: Reported in association with coagulopathy in the published literature (Downes et al., 2019; Sadler et al., 2021); however, detailed clinical information was not provided; Frameshift variant predicted to result in protein truncation or nonsense mediated decay in a gene for which loss of function is a known mechanism of disease; Not observed at significant frequency in large population cohorts (gnomAD); This variant is associated with the following publications: (PMID: 33556167, 31064749)

Revvity Omics, Revvity
Classification: Pathogenic. Last evaluated: 2023-06-05. Review status: criteria provided, single submitter. Criteria: ACMG Guidelines, 2015. Collection method: clinical testing. Allele origin: germline.

NIHR Bioresource Rare Diseases, University of Cambridge
Classification: Pathogenic for von Willebrand disorder. Last evaluated: 2019-02-01. Review status: criteria provided, single submitter. Criteria: ACMG Guidelines, 2015. Collection method: research. Allele origin: unknown. Affected: yes. Observed: 1 heterozygote. Study: ThromboGenomics.

PreventionGenetics, part of Exact Sciences
Classification: Likely pathogenic for VWF-related condition. Last evaluated: 2023-11-28. Review status: no assertion criteria provided. Collection method: clinical testing. Allele origin: germline. Not counted in ClinVar's aggregate classification.
Comment: The VWF c.50dupT variant is predicted to result in a frameshift and premature protein termination (p.Leu17Phefs*25). This variant has been reported in individuals with VWF-related diseases (Downes et al. 2019. PubMed ID: 31064749. Suppl3_SNV+INDEL; Sadler et al. 2021. PubMed ID: 33556167. Table S2). This variant is reported in 0.0031% of alleles in individuals of European (Non-Finnish) descent in gnomAD. Frameshift variants in VWF are expected to be pathogenic. This variant is interpreted as likely pathogenic.

Literature cited by the submitters: PubMed 33556167 (cited by Quest Diagnostics Nichols Institute San Juan Capistrano and Women's Health and Genetics/Laboratory Corporation of America, LabCorp); PubMed 31064749 (cited by 3 submitters); PubMed 37647632 (cited by Quest Diagnostics Nichols Institute San Juan Capistrano); PubMed 37845247 (cited by Quest Diagnostics Nichols Institute San Juan Capistrano).

NM_000552.5(VWF):c.50dup (p.Leu17fs)

Gene: VWF (von Willebrand factor; minus strand). Cytogenetic location: 12p13.31.
Variant type: Duplication.
Coding change: c.50dup on transcript NM_000552.5 (MANE Select); coding-DNA position 50, one base duplicated (T; older notation c.50dupT).
Protein change: p.Leu17fs; shifts the reading frame from leucine 17.
Molecular consequence: frameshift variant.
Genome position (GRCh38, 1-based): chr12:6,123,147, A duplicated on the plus strand (T on the coding strand, the reverse complement: VWF is on the minus strand); the first of 4 consecutive A bases (chr12:6,123,147-6,123,150); duplicating any one gives the same sequence. VCF-style (leftmost placement, unchanged base first): chr12-6123146-C-CA. GRCh37 (hg19) VCF-style: chr12-6232312-C-CA.
Other names: c.50dupT (NM_000552.3, NM_000552.5); c.50dup (NM_000552.3, NM_000552.4); short protein forms L17fs.
Identifiers: ClinVar variation 627085 (VCV000627085.9), dbSNP rs751286556, ClinGen allele CA6403985.
Genomic context (GRCh38, chr12:6,123,146, plus strand): 5'-GTCACTCCAGATGGCCCTGGGGCAGGAATGAGAAATGGAGGCCCTTTTGTACCTACCTGG[C>CA]AAAATGAGGGCCAGAGCAAGCAGCACCCCGGCAAATCTGGCAGGAATCATCTGCAAAGAA-3'